The following is an entry in ClinVar:

ClinVar aggregate classification (germline): Uncertain significance (1 of 4 stars; one submission).

Conditions:
Chédiak-Higashi syndrome (CHS). Also called: Chediak-Higashi Syndrome. Identifiers: Orphanet 167, MedGen C0007965, MONDO:0008963, OMIM 214500.

gnomAD v4.1: 2 of 1,613,578 alleles (0.00012%); highest among the groups gnomAD compares: Non-Finnish European, 0.00017%; no homozygotes.

Submission:

Labcorp Genetics (formerly Invitae), Labcorp
Classification: Uncertain significance for Chédiak-Higashi syndrome. Last evaluated: 2024-05-07. Review status: criteria provided, single submitter. Criteria: Invitae Variant Classification Sherloc (09022015). Collection method: clinical testing. Allele origin: germline.
Comment: This sequence change replaces isoleucine, which is neutral and non-polar, with threonine, which is neutral and polar, at codon 2405 of the LYST protein (p.Ile2405Thr). This variant is not present in population databases (gnomAD no frequency). This variant has not been reported in the literature in individuals affected with LYST-related conditions. Advanced modeling of protein sequence and biophysical properties (such as structural, functional, and spatial information, amino acid conservation, physicochemical variation, residue mobility, and thermodynamic stability) performed at Invitae indicates that this missense variant is not expected to disrupt LYST protein function with a negative predictive value of 80%. In summary, the available evidence is currently insufficient to determine the role of this variant in disease. Therefore, it has been classified as a Variant of Uncertain Significance.

NM_000081.4(LYST):c.7214T>C (p.Ile2405Thr)

Gene: LYST (lysosomal trafficking regulator; minus strand). Cytogenetic location: 1q42.3.
Variant type: single nucleotide variant.
Coding change: c.7214T>C on transcript NM_000081.4 (MANE Select); coding-DNA position 7214, T replaced by C.
Protein change: p.Ile2405Thr; replaces isoleucine 2405 with threonine.
Molecular consequence: missense variant.
Genome position (GRCh38, 1-based): chr1:235,755,493, A>G on the plus strand (T>C on the coding strand, the complement: LYST is on the minus strand). VCF-style: chr1-235755493-A-G. GRCh37 (hg19) VCF-style: chr1-235918793-A-G.
Other names: c.7214T>C, p.Ile2405Thr (NM_001301365.1); short protein forms I2405T.
Identifiers: ClinVar variation 3621000 (VCV003621000.2).